The following is an entry in ClinVar:

ClinVar aggregate classification (germline): Pathogenic (1 of 4 stars; one submission).

Submission:

Labcorp Genetics (formerly Invitae), Labcorp
Classification: Pathogenic. Last evaluated: 2024-03-13. Review status: criteria provided, single submitter. Criteria: Invitae Variant Classification Sherloc (09022015). Collection method: clinical testing. Allele origin: germline.
Comment: This sequence change creates a premature translational stop signal (p.Cys728Leufs*69) in the EIF2AK3 gene. It is expected to result in an absent or disrupted protein product. Loss-of-function variants in EIF2AK3 are known to be pathogenic (PMID: 11997520). This variant is not present in population databases (gnomAD no frequency). This variant has not been reported in the literature in individuals affected with EIF2AK3-related conditions. For these reasons, this variant has been classified as Pathogenic.

Literature cited by the submitters: PubMed 11997520.

NM_004836.7(EIF2AK3):c.2183del (p.Cys728fs)

Genes: EIF2AK3 (eukaryotic translation initiation factor 2 alpha kinase 3; minus strand), EIF2AK3-AS1 (EIF2AK3 antisense RNA 1; plus strand). Cytogenetic location: 2p11.2.
Variant type: Deletion.
Coding change: c.2183del on transcript NM_004836.7 (MANE Select); coding-DNA position 2183, one base deleted (G; older notation c.2183delG).
Protein change: p.Cys728fs; shifts the reading frame from cysteine 728.
Molecular consequence: frameshift variant. On other transcripts: non-coding transcript variant (1).
Genome position (GRCh38, 1-based): chr2:88,575,300, C deleted on the plus strand (G on the coding strand, the reverse complement: EIF2AK3 is on the minus strand). VCF-style (leftmost placement, unchanged base first): chr2-88575299-AC-A. GRCh37 (hg19) VCF-style: chr2-88874817-AC-A.
Other names: c.1730del, p.Cys577fs (NM_001313915.2); short protein forms C728fs, C577fs.
Identifiers: ClinVar variation 3645642 (VCV003645642.2).